The following is an entry in ClinVar:

ClinVar aggregate classification (germline): Benign. Review status: criteria provided, multiple submitters, no conflicts (2 of 4 stars). 6 submissions from 6 submitters: Benign (6). Last evaluated 2026-02-04.

Conditions:
Hypertrophic cardiomyopathy. Also called: HYPERTROPHIC MYOCARDIOPATHY. Identifiers: Orphanet 217569, MedGen C0007194, MeSH D002312, MONDO:0005045, HP:0001639.
Primary dilated cardiomyopathy (DCM). Also called: Dilated Cardiomyopathy. Identifiers: Orphanet 217604, MedGen C0007193, MeSH D002311, MONDO:0005021, HP:0001644. Inheritance: Various modes of inheritance.

Allele frequency attached by ClinVar (database versions not stated): 1000 Genomes Project 30x 0.65022; 1000 Genomes Project 0.65954; TOPMed 0.68214; ESP Exome Variant Server 0.69668; gnomAD 0.70398 and 0.69865; gnomAD exomes 0.83178 and 0.78746; ExAC 0.78301.
gnomAD v4.1: 1,320,144 of 1,613,280 alleles (82%); highest among the groups gnomAD compares: Non-Finnish European, 86%; 549,789 homozygotes.

Submissions (6):

Labcorp Genetics (formerly Invitae), Labcorp
Classification: Benign for Hypertrophic cardiomyopathy; Primary dilated cardiomyopathy. Last evaluated: 2026-02-04. Review status: criteria provided, single submitter. Criteria: Invitae Variant Classification Sherloc (09022015). Collection method: clinical testing. Allele origin: germline.

Women's Health and Genetics/Laboratory Corporation of America, LabCorp
Classification: Benign. Last evaluated: 2023-04-04. Review status: criteria provided, single submitter. Criteria: LabCorp Variant Classification Summary - May 2015. Collection method: clinical testing. Allele origin: germline.

Ambry Genetics
Classification: Benign. Last evaluated: 2019-02-07. Review status: criteria provided, single submitter. Criteria: Ambry Variant Classification Scheme 2023. Collection method: clinical testing. Allele origin: germline.

Laboratory for Molecular Medicine, Mass General Brigham Personalized Medicine
Classification: Benign. Last evaluated: 2014-11-26. Review status: criteria provided, single submitter. Criteria: LMM Criteria. Collection method: clinical testing. Allele origin: germline. Observed: 468 variant alleles.
Comment: This is a RefSeq error. The reference base (c.906C) is the minor allele. This al lele (C) has been identified in 15% (1260/8600) of European American chromosomes and 61% (2685/4406) of African American chromosomes by the NHLBI Exome Sequenci ng Project (dbSNP rs1134008) and thus meets c riteria to be classified as benign.

GeneDx
Classification: Benign. Last evaluated: 2013-11-22. Review status: criteria provided, single submitter. Criteria: GeneDx Variant Classification (06012015). Collection method: clinical testing. Allele origin: germline. Affected: yes.
Comment: This variant is considered likely benign or benign based on one or more of the following criteria: it is a conservative change, it occurs at a poorly conserved position in the protein, it is predicted to be benign by multiple in silico algorithms, and/or has population frequency not consistent with disease.

Breakthrough Genomics
Classification: Benign. Review status: criteria provided, single submitter. Criteria: ACMG Guidelines, 2015. Collection method: not provided. Allele origin: germline. Inheritance: Unknown mechanism. Affected: yes.

NM_014476.6(PDLIM3):c.906C>T (p.Val302=)

Gene: PDLIM3 (PDZ and LIM domain 3; minus strand). Cytogenetic location: 4q35.1.
Variant type: single nucleotide variant.
Coding change: c.906C>T on transcript NM_014476.6 (MANE Select); coding-DNA position 906, C replaced by T.
Protein change: p.Val302=; no amino-acid change (valine 302 retained).
Molecular consequence: synonymous variant. On other transcripts: non-coding transcript variant (1).
Genome position (GRCh38, 1-based): chr4:185,502,483, G>A on the plus strand (C>T on the coding strand, the complement: PDLIM3 is on the minus strand). VCF-style: chr4-185502483-G-A. GRCh37 (hg19) VCF-style: chr4-186423637-G-A.
Other names: p.V302V:GTC>GTT; c.762C>T, p.Val254= (NM_001114107.5); c.642C>T, p.Val214= (NM_001257962.2); c.405C>T, p.Val135= (NM_001257963.2).
Identifiers: ClinVar variation 138675 (VCV000138675.20), dbSNP rs4635850, ClinGen allele CA333142.